The following is an entry in ClinVar:

ClinVar aggregate classification (germline): Uncertain significance. Review status: criteria provided, multiple submitters, no conflicts (2 of 4 stars). 2 submissions from 2 submitters: Uncertain significance (2). Last evaluated 2025-02-06.

Conditions:
Dystonia 12 (DYT12). Also called: Rapid-Onset Dystonia-Parkinsonism (RDP); DYT-ATP1A3. Identifiers: Orphanet 71517, MedGen C1868681, MONDO:0007496, OMIM 128235.

Submissions (2):

Labcorp Genetics (formerly Invitae), Labcorp
Classification: Uncertain significance for Dystonia 12. Last evaluated: 2025-02-06. Review status: criteria provided, single submitter. Criteria: Invitae Variant Classification Sherloc (09022015). Collection method: clinical testing. Allele origin: germline.
Comment: This sequence change replaces isoleucine, which is neutral and non-polar, with methionine, which is neutral and non-polar, at codon 916 of the ATP1A3 protein (p.Ile916Met). This variant is not present in population databases (gnomAD no frequency). This missense change has been observed in individual(s) with ATP1A3-related conditions (PMID: 25447930, 36353900). This variant is also known as c.2781C > G; p.Ile927Met. ClinVar contains an entry for this variant (Variation ID: 1212411). Invitae Evidence Modeling of protein sequence and biophysical properties (such as structural, functional, and spatial information, amino acid conservation, physicochemical variation, residue mobility, and thermodynamic stability) indicates that this missense variant is expected to disrupt ATP1A3 protein function with a positive predictive value of 95%. In summary, the available evidence is currently insufficient to determine the role of this variant in disease. Therefore, it has been classified as a Variant of Uncertain Significance.

GeneDx
Classification: Uncertain significance. Last evaluated: 2019-06-03. Review status: criteria provided, single submitter. Criteria: GeneDx Variant Classification Process June 2021. Collection method: clinical testing. Allele origin: germline. Affected: yes.
Comment: Not observed in large population cohorts (Lek et al., 2016); In silico analysis, which includes protein predictors and evolutionary conservation, supports that this variant does not alter protein structure/function; Has not been previously published as pathogenic or benign to our knowledge

Literature cited by the submitters: PubMed 25447930 (cited by Labcorp Genetics (formerly Invitae), Labcorp); PubMed 36353900 (cited by Labcorp Genetics (formerly Invitae), Labcorp).

NM_152296.5(ATP1A3):c.2748C>G (p.Ile916Met)

Gene: ATP1A3 (ATPase Na+/K+ transporting subunit alpha 3; minus strand). Cytogenetic location: 19q13.2.
Variant type: single nucleotide variant.
Coding change: c.2748C>G on transcript NM_152296.5 (MANE Select); coding-DNA position 2748, C replaced by G.
Protein change: p.Ile916Met; replaces isoleucine 916 with methionine.
Molecular consequence: missense variant.
Genome position (GRCh38, 1-based): chr19:41,968,856, G>C on the plus strand (C>G on the coding strand, the complement: ATP1A3 is on the minus strand). VCF-style: chr19-41968856-G-C. GRCh37 (hg19) VCF-style: chr19-42473008-G-C.
Other names: c.2781C>G, p.Ile927Met (NM_001256213.2); c.2787C>G, p.Ile929Met (NM_001256214.2); short protein forms I916M, I927M, I929M.
Identifiers: ClinVar variation 1212411 (VCV001212411.4), dbSNP rs782390447, ClinGen allele CA406036118.